The following is an entry in ClinVar:

NM_001039469.3(MARK2):c.403G>A (p.Gly135Arg)

Gene: MARK2 (microtubule affinity regulating kinase 2; plus strand). Cytogenetic location: 11q13.1.
Variant type: single nucleotide variant.
Coding change: c.403G>A on transcript NM_001039469.3 (MANE Select); coding-DNA position 403, G replaced by A.
Protein change: p.Gly135Arg; replaces glycine 135 with arginine.
Molecular consequence: missense variant.
Genome position (GRCh38, 1-based): chr11:63,898,673, G>A. VCF-style: chr11-63898673-G-A. GRCh37 (hg19) VCF-style: chr11-63666145-G-A.
Other names: c.403G>A (NM_001039469.2); c.403G>A, p.Gly135Arg (NM_001163296.2, NM_001163297.2, NM_004954.5); c.304G>A, p.Gly102Arg (NM_017490.4); short protein forms G102R, G135R.
Identifiers: ClinVar variation 3253647 (VCV003253647.5), dbSNP rs2539315343.
Genomic context (GRCh38, chr11:63,898,673, plus strand): 5'-TTATTTGAAGTGATTGAGACTGAGAAAACGCTCTACCTTGTCATGGAGTACGCTAGTGGC[G>A]GTAGGTGTGGAACTGCCTCTTCCTGTTGTGCCCCCACTTCTTCCACCTCCAGCCAGCTCT-3'
Protein context (NP_001034558.2, residues 125-145): LYLVMEYASG[Gly135Arg]EVFDYLVAHG

ClinVar aggregate classification (germline): Pathogenic/Likely pathogenic. Review status: criteria provided, multiple submitters, no conflicts (2 of 4 stars). 4 submissions from 4 submitters: Pathogenic (1); Likely pathogenic (2). 1 of the submissions does not count toward it. Last evaluated 2026-11-10.

Conditions:
Autism spectrum disorder. Also called: Autism spectrum disorders. Identifiers: MedGen C1510586, MeSH D000067877, MONDO:0005258.
Intellectual developmental disorder, autosomal dominant 76. Identifiers: MedGen C6012756, MONDO:0979575, OMIM 621285.

Submissions (4):

Department of Human Genetics, Hannover Medical School
Classification: Likely pathogenic for Intellectual developmental disorder, autosomal dominant 76. Last evaluated: 2026-11-10. Review status: criteria provided, single submitter. Criteria: ACMG Guidelines, 2015. Collection method: clinical testing. Allele origin: germline. Affected: yes.
Comment: variant occurs in the last base pair of coding exon 5, possible splice effect (PS2, PM2_Supporting, PP3)

Ambry Genetics
Classification: Pathogenic. Last evaluated: 2026-07-17. Review status: criteria provided, single submitter. Criteria: Ambry Variant Classification Scheme 2023. Collection method: clinical testing. Allele origin: germline.
Comment: The c.403G>A (p.G135R) alteration is located in exon 5 (coding exon 5) of the MARK2 gene. This alteration results from a G to A substitution at nucleotide position 403, causing the glycine (G) at amino acid position 135 to be replaced by an arginine (R). However, this change occurs in the last base pair of coding exon 5, which makes it likely to have some effect on normal mRNA splicing. This variant was not reported in population-based cohorts in the Genome Aggregation Database (gnomAD). This variant was reported in individual(s) with features consistent with MARK2-related neurodevelopmental disorder; in at least one individual, it was determined to be de novo (Gong, 2024; Yang, 2026). This nucleotide position is highly conserved in available vertebrate species. The in silico prediction for this amino acid alteration is inconclusive. In silico splice site analysis predicts that this nucleotide alteration may weaken the native splice donor site and may result in the creation or strengthening of a novel splice donor site. Based on the available evidence, this alteration is classified as pathogenic.

Institute of Human Genetics, University of Leipzig Medical Center
Classification: Likely pathogenic for Intellectual developmental disorder, autosomal dominant 76. Last evaluated: 2025-10-30. Review status: criteria provided, single submitter. Criteria: ACMG Guidelines, 2015. Collection method: clinical testing. Allele origin: unknown. Inheritance: Autosomal dominant inheritance. Affected: yes.
Comment: Criteria applied: PM1,PM2,PS2_SUP,PS4_SUP,PP2,PP3

Department of Medical Genetics, Capital Institute of Pediatrics
Classification: Likely pathogenic for Autism Spectrum Disorder. Last evaluated: 2024-07-03. Review status: no assertion criteria provided. Collection method: research. Allele origin: de novo. Affected: yes. Not counted in ClinVar's aggregate classification.
Comment: PM2_Supporting+PS2+PP3

Literature cited by the submitters: PubMed 39419027 (cited by Ambry Genetics and Department of Medical Genetics, Capital Institute of Pediatrics); PubMed 41918168 (cited by Ambry Genetics).